The following is an entry in ClinVar:

NM_032575.3(GLIS2):c.608G>A (p.Cys203Tyr)

Gene: GLIS2 (GLIS family zinc finger 2; plus strand). Cytogenetic location: 16p13.3.
Variant type: single nucleotide variant.
Coding change: c.608G>A on transcript NM_032575.3 (MANE Select); coding-DNA position 608, G replaced by A.
Protein change: p.Cys203Tyr; replaces cysteine 203 with tyrosine.
Molecular consequence: missense variant.
Genome position (GRCh38, 1-based): chr16:4,335,145, G>A. VCF-style: chr16-4335145-G-A. GRCh37 (hg19) VCF-style: chr16-4385146-G-A.
Other names: c.608G>A, p.Cys203Tyr (NM_001318918.2); short protein forms C203Y.
Identifiers: ClinVar variation 1975033 (VCV001975033.5), dbSNP rs756525846, ClinGen allele CA7873050.

ClinVar aggregate classification (germline): Uncertain significance (1 of 4 stars; one submission).

Conditions:
Nephronophthisis. Also called: Juvenile Nephronophthisis. Identifiers: Orphanet 655, MedGen C0687120, MONDO:0019005, HP:0000090.

Allele frequency attached by ClinVar (database versions not stated): ExAC 0.00001.

Submission:

Labcorp Genetics (formerly Invitae), Labcorp
Classification: Uncertain significance for Nephronophthisis. Last evaluated: 2024-04-25. Review status: criteria provided, single submitter. Criteria: Invitae Variant Classification Sherloc (09022015). Collection method: clinical testing. Allele origin: germline.
Comment: This sequence change replaces cysteine, which is neutral and slightly polar, with tyrosine, which is neutral and polar, at codon 203 of the GLIS2 protein (p.Cys203Tyr). This variant is present in population databases (rs756525846, gnomAD 0.0009%). This variant has not been reported in the literature in individuals affected with GLIS2-related conditions. ClinVar contains an entry for this variant (Variation ID: 1975033). An algorithm developed to predict the effect of missense changes on protein structure and function (PolyPhen-2) suggests that this variant is likely to be disruptive. In summary, the available evidence is currently insufficient to determine the role of this variant in disease. Therefore, it has been classified as a Variant of Uncertain Significance.